The following is an entry in ClinVar:

ClinVar aggregate classification (germline): Conflicting classifications of pathogenicity. Review status: criteria provided, conflicting classifications (1 of 4 stars). 6 submissions from 6 submitters: Pathogenic (2); Likely pathogenic (3); Uncertain significance (1). Last evaluated 2025-12-26.

Conditions:
Congenital hyperammonemia, type I. Also called: Carbamoyl phosphate synthetase 1 deficiency; Hyperammonemia due to carbamoyl phosphate synthetase 1 deficiency; CPS 1 deficiency; Carbamyl phosphate synthetase (CPS) deficiency; Carbamoyl phosphate synthetase I deficiency disease; CPS I DEFICIENCY. Identifiers: Orphanet 147, MedGen C4082171, MONDO:0009376, OMIM 237300.
Pulmonary hypertension, neonatal, susceptibility to (PHN). Identifiers: MedGen C3714958, MONDO:0014151, OMIM 615371.

Allele frequency attached by ClinVar (database versions not stated): gnomAD 0.00001.
gnomAD v4.1: 5 of 1,610,480 alleles (0.00031%); highest among the groups gnomAD compares: Non-Finnish European, 0.00042%; no homozygotes.

Submissions (6):

Natera, Inc.
Classification: Likely pathogenic for Carbamoyl-phosphate synthase I deficiency. Last evaluated: 2025-12-26. Review status: criteria provided, single submitter. Criteria: Natera Variant Classification Schema (03/2026). Collection method: clinical testing. Allele origin: germline.
Comment: The c.3607T>C variant in CPS1 is a missense variant predicted to cause substitution of serine to proline at amino acid 1203. This variant is rare in the general population with a frequency below the threshold expected for the associated phenotype(s). This variant has been observed in one or more individuals affected with the associated recessive disease, as either homozygous or compound heterozygous with a second variant (PMID: 9686343, 16737834). This variant has been identified in one or more affected individual with a phenotype highly consistent with the associated gene (PMID: 9686343). Functional studies show that this variant may disrupt protein function (PMID: 15876373). Computational prediction algorithms indicate this variant is likely to affect gene or protein function. Given the available evidence, this variant is classified as Likely Pathogenic.

Labcorp Genetics (formerly Invitae), Labcorp
Classification: Likely pathogenic for Congenital hyperammonemia, type I. Last evaluated: 2025-11-03. Review status: criteria provided, single submitter. Criteria: Invitae Variant Classification Sherloc (09022015). Collection method: clinical testing. Allele origin: germline.
Comment: This sequence change replaces serine, which is neutral and polar, with proline, which is neutral and non-polar, at codon 1203 of the CPS1 protein (p.Ser1203Pro). This variant is not present in population databases (gnomAD no frequency). This missense change has been observed in individual(s) with carbamoyl-phosphate synthase I (PMID: 9686343, 16737834). This variant is also known as c.3730T>C. ClinVar contains an entry for this variant (Variation ID: 1066946). Invitae Evidence Modeling of protein sequence and biophysical properties (such as structural, functional, and spatial information, amino acid conservation, physicochemical variation, residue mobility, and thermodynamic stability) has been performed for this missense variant. However, the output from this modeling did not meet the statistical confidence thresholds required to predict the impact of this variant on CPS1 protein function. Experimental studies have shown that this missense change affects CPS1 function (PMID: 15876373). This variant disrupts the p.Ser1203 amino acid residue in CPS1. Other variant(s) that disrupt this residue have been observed in individuals with CPS1-related conditions (PMID: 9686343, 16737834; internal data), which suggests that this may be a clinically significant amino acid residue. In summary, the currently available evidence indicates that the variant is pathogenic, but additional data are needed to prove that conclusively. Therefore, this variant has been classified as Likely Pathogenic.

Myriad Genetics, Inc.
Classification: Uncertain significance for Congenital hyperammonemia, type I. Last evaluated: 2025-09-29. Review status: criteria provided, single submitter. Criteria: Myriad Autosomal Dominant, Autosomal Recessive and X-Linked Classification Criteria (2023). Collection method: clinical testing. Allele origin: unknown.
Comment: NM_001875.4(CPS1):c.3607T>C(S1203P) is a missense variant classified as a variant of uncertain significance in the context of carbamoylphosphate synthetase I deficiency. S1203P has been observed in cases with relevant disease (PMID: 9686343, 16737834). Relevant functional assessments of this variant are available in the literature (PMID: 15876373). S1203P has not been observed in referenced population frequency databases. In summary, there is insufficient evidence to classify NM_001875.4(CPS1):c.3607T>C(S1203P) as pathogenic or benign. Please note: this variant was assessed in the context of healthy population screening.

Laboratory of Genetics, Children's Clinical University Hospital Latvia
Classification: Pathogenic. Last evaluated: 2025-02-16. Review status: criteria provided, single submitter. Criteria: ACMG Guidelines, 2015. Collection method: clinical testing. Allele origin: germline. Affected: yes.

Women's Health and Genetics/Laboratory Corporation of America, LabCorp
Classification: Likely pathogenic for Congenital hyperammonemia, type I. Last evaluated: 2025-01-21. Review status: criteria provided, single submitter. Criteria: LabCorp Variant Classification Summary - May 2015. Collection method: clinical testing. Allele origin: germline.
Comment: Variant summary: CPS1 c.3607T>C (p.Ser1203Pro) results in a non-conservative amino acid change located in the Carbamoyl-phosphate synthase L chain, ATP binding domain (IPR005479) of the encoded protein sequence. Five of five in-silico tools predict a damaging effect of the variant on protein function. The variant was absent in 251468 control chromosomes.c.3607T>C has been reported in the literature in compound heterozygous and homozygous individuals affected with Carbamoylphosphate Synthetase I Deficiency (Summar_1998, Eeds_2006, Invitae). These data indicate that the variant may be associated with disease. To our knowledge, no experimental evidence demonstrating an impact on protein function has been reported. The following publications have been ascertained in the context of this evaluation (PMID: 16737834, 9686343). ClinVar contains an entry for this variant (Variation ID: 1066946). Based on the evidence outlined above, the variant was classified as likely pathogenic.

Baylor Genetics
Classification: Pathogenic for Pulmonary hypertension, neonatal, susceptibility to. Last evaluated: 2024-01-15. Review status: criteria provided, single submitter. Criteria: ACMG Guidelines, 2015. Collection method: clinical testing. Allele origin: unknown.

Literature cited by the submitters: PubMed 9686343 (cited by 4 submitters); PubMed 16737834 (cited by 4 submitters); PubMed 15876373 (cited by 3 submitters).

NM_001875.5(CPS1):c.3607T>C (p.Ser1203Pro)

Gene: CPS1 (carbamoyl-phosphate synthase 1; plus strand). Cytogenetic location: 2q34.
Variant type: single nucleotide variant.
Coding change: c.3607T>C on transcript NM_001875.5 (MANE Select); coding-DNA position 3607, T replaced by C.
Protein change: p.Ser1203Pro; replaces serine 1203 with proline.
Molecular consequence: missense variant. On other transcripts: non-coding transcript variant (2).
Genome position (GRCh38, 1-based): chr2:210,656,573, T>C. VCF-style: chr2-210656573-T-C. GRCh37 (hg19) VCF-style: chr2-211521297-T-C.
Other names: c.3607T>C (NM_001875.4); c.3607T>C, p.Ser1203Pro (NM_001122633.3, NM_001369257.1); c.3640T>C, p.Ser1214Pro (NM_001369256.1); short protein forms S1203P, S1214P.
Identifiers: ClinVar variation 1066946 (VCV001066946.18), dbSNP rs1319489001, ClinGen allele CA350437795.